The following is an entry in ClinVar:

NC_000022.10:g.(?_26853805)_(26854563_?)del

Gene: HPS4 (HPS4 biogenesis of lysosomal organelles complex 3 subunit 2; minus strand). Cytogenetic location: 22q12.1.
Variant type: Deletion.
Identifiers: ClinVar variation 3248136 (VCV003248136.1).

ClinVar aggregate classification (germline): Pathogenic (1 of 4 stars; one submission).

Submission:

Labcorp Genetics (formerly Invitae), Labcorp
Classification: Pathogenic. Last evaluated: 2023-07-13. Review status: criteria provided, single submitter. Criteria: Invitae Variant Classification Sherloc (09022015). Collection method: clinical testing. Allele origin: unknown.
Comment: This variant is a gross deletion of the genomic region encompassing exon(s) 12-13 of the HPS4 gene. While this deletion is not anticipated to lead to nonsense mediated decay, it is expected to disrupt the C-terminus of the protein. This variant has not been reported in the literature in individuals affected with HPS4-related conditions. This variant disrupts a region of the HPS4 protein in which other variant(s) (p.Pro685Leufs*17) have been determined to be pathogenic (PMID: 15108212, 28983057, 30990103). This suggests that this is a clinically significant region of the protein, and that variants that disrupt it are likely to be disease-causing. For these reasons, this variant has been classified as Pathogenic.

Literature cited by the submitters: PubMed 15108212; PubMed 28983057; PubMed 30990103.